The following is an entry in ClinVar:

NM_005902.4(SMAD3):c.862_871dup (p.Gly291fs)

Gene: SMAD3 (SMAD family member 3; plus strand). Cytogenetic location: 15q22.33.
Variant type: Duplication.
Coding change: c.862_871dup on transcript NM_005902.4 (MANE Select); coding-DNA positions 862 to 871, 10 bases duplicated (AGACACATCG; older notation c.862_871dupAGACACATCG).
Protein change: p.Gly291fs; shifts the reading frame from glycine 291.
Molecular consequence: frameshift variant.
Genome position (GRCh38, 1-based): chr15:67,181,444-67,181,453, AGACACATCG duplicated; duplicating any 10 consecutive bases within chr15:67,181,443-67,181,453 gives the same sequence; the c. name uses the placement nearest the transcript's 3' end. VCF-style (leftmost placement, unchanged base first): chr15-67181442-G-GGAGACACATC. GRCh37 (hg19) VCF-style: chr15-67473780-G-GGAGACACATC.
Other names: c.547_556dup, p.Gly186fs (NM_001145102.2, NM_001407016.1); c.730_739dup, p.Gly247fs (NM_001145103.2, NM_001407012.1); c.277_286dup, p.Gly96fs (NM_001145104.2, NM_001407017.1); c.862_871dup, p.Gly291fs (NM_001407011.1, NM_001407013.1); c.715_724dup, p.Gly242fs (NM_001407014.1); c.415_424dup, p.Gly142fs (NM_001407015.1); c.862_871dup10 (NM_005902.4); c.862_871dupAGACACATCG (NM_005902.3); short protein forms G142fs, G186fs, G242fs, G247fs, G291fs, G96fs.
Identifiers: ClinVar variation 3896066 (VCV003896066.2).

ClinVar aggregate classification (germline): Pathogenic. Review status: criteria provided, multiple submitters, no conflicts (2 of 4 stars). 2 submissions from 2 submitters: Pathogenic (2). Last evaluated 2026-01-14.

Conditions:
Familial aortopathy. Identifiers: MedGen CN078214.
Familial thoracic aortic aneurysm and aortic dissection (TAAD). Also called: Thoracic aortic aneurysms and dissections. Identifiers: Orphanet 91387, MedGen C4707243, MONDO:0019625.

Submissions (2):

Ambry Genetics
Classification: Pathogenic for Familial thoracic aortic aneurysm and aortic dissection. Last evaluated: 2026-01-14. Review status: criteria provided, single submitter. Criteria: Ambry Variant Classification Scheme 2023. Collection method: clinical testing. Allele origin: germline.
Comment: The c.862_871dup10 pathogenic mutation, located in coding exon 6 of the SMAD3 gene, results from a duplication of AGACACATCG at nucleotide position 862, causing a translational frameshift with a predicted alternate stop codon (p.G291Efs*23). This variant was reported in individual(s) with features consistent with SMAD3-related Loeys-Dietz syndrome (Ambry internal data). This variant is considered to be rare based on population cohorts in the Genome Aggregation Database (gnomAD). This alteration is expected to result in loss of function by premature protein truncation or nonsense-mediated mRNA decay. As such, this alteration is interpreted as a disease-causing mutation.

Women's Health and Genetics/Laboratory Corporation of America, LabCorp
Classification: Pathogenic for Familial aortopathy. Last evaluated: 2025-03-20. Review status: criteria provided, single submitter. Criteria: LabCorp Variant Classification Summary - May 2015. Collection method: clinical testing. Allele origin: germline.
Comment: Variant summary: SMAD3 c.862_871dup10 (p.Gly291GlufsX23) results in a premature termination codon, predicted to cause a truncation of the encoded protein or absence of the protein due to nonsense mediated decay, which are commonly known mechanisms for disease. The variant was absent in 248396 control chromosomes. To our knowledge, no occurrence of c.862_871dup10 in individuals affected with Aortopathy and no experimental evidence demonstrating its impact on protein function have been reported. No submitters have cited clinical-significance assessments for this variant to ClinVar. Based on the evidence outlined above, the variant was classified as pathogenic.